The following is an entry in ClinVar:

ClinVar aggregate classification (germline): Uncertain significance (1 of 4 stars; one submission).

Conditions:
Idiopathic generalized epilepsy. Also called: EIG; Generalised epilepsy. Identifiers: MedGen C0270850, MONDO:0005579, OMIM 600669.
Hyperaldosteronism, familial, type IV (HALD4). Also called: FH IV; ALDOSTERONISM, PRIMARY, AND HYPERTENSION. Identifiers: Orphanet 642671, MedGen C4310756, MONDO:0014875, OMIM 617027.

Allele frequency attached by ClinVar (database versions not stated): gnomAD 0.00001; gnomAD exomes 0.00001; TOPMed 0.00002.
gnomAD v4.1: 11 of 1,611,994 alleles (0.00068%); highest among the groups gnomAD compares: Admixed American, 0.015%; no homozygotes.

Submission:

Labcorp Genetics (formerly Invitae), Labcorp
Classification: Uncertain significance for Idiopathic generalized epilepsy; Hyperaldosteronism, familial, type IV. Last evaluated: 2024-12-02. Review status: criteria provided, single submitter. Criteria: Invitae Variant Classification Sherloc (09022015). Collection method: clinical testing. Allele origin: germline.
Comment: This sequence change replaces aspartic acid, which is acidic and polar, with glycine, which is neutral and non-polar, at codon 1317 of the CACNA1H protein (p.Asp1317Gly). This variant is present in population databases (no rsID available, gnomAD 0.01%). This variant has not been reported in the literature in individuals affected with CACNA1H-related conditions. ClinVar contains an entry for this variant (Variation ID: 2937377). Invitae Evidence Modeling of protein sequence and biophysical properties (such as structural, functional, and spatial information, amino acid conservation, physicochemical variation, residue mobility, and thermodynamic stability) indicates that this missense variant is not expected to disrupt CACNA1H protein function with a negative predictive value of 80%. In summary, the available evidence is currently insufficient to determine the role of this variant in disease. Therefore, it has been classified as a Variant of Uncertain Significance.

NM_021098.3(CACNA1H):c.3950A>G (p.Asp1317Gly)

Gene: CACNA1H (calcium voltage-gated channel subunit alpha1 H; plus strand). Cytogenetic location: 16p13.3.
Variant type: single nucleotide variant.
Coding change: c.3950A>G on transcript NM_021098.3 (MANE Select); coding-DNA position 3950, A replaced by G.
Protein change: p.Asp1317Gly; replaces aspartic acid 1317 with glycine.
Molecular consequence: missense variant.
Genome position (GRCh38, 1-based): chr16:1,210,474, A>G. VCF-style: chr16-1210474-A-G. GRCh37 (hg19) VCF-style: chr16-1260474-A-G.
Other names: c.3950A>G, p.Asp1317Gly (NM_001005407.2); short protein forms D1317G.
Identifiers: ClinVar variation 2937377 (VCV002937377.3), dbSNP rs1249879718, ClinGen allele CA394176796.